The following is an entry in ClinVar:

NM_001267550.2(TTN):c.63134G>C (p.Gly21045Ala)

Genes: TTN (titin; minus strand), TTN-AS1 (TTN antisense RNA 1; plus strand). Cytogenetic location: 2q31.2.
Variant type: single nucleotide variant.
Coding change: c.63134G>C on transcript NM_001267550.2 (MANE Select); coding-DNA position 63134, G replaced by C.
Protein change: p.Gly21045Ala; replaces glycine 21045 with alanine.
Molecular consequence: missense variant.
Genome position (GRCh38, 1-based): chr2:178,588,591, C>G on the plus strand (G>C on the coding strand, the complement: TTN is on the minus strand). VCF-style: chr2-178588591-C-G. GRCh37 (hg19) VCF-style: chr2-179453318-C-G.
Other names: c.58211G>C, p.Gly19404Ala (NM_001256850.1); c.35939G>C, p.Gly11980Ala (NM_003319.4); c.55430G>C, p.Gly18477Ala (NM_133378.4); c.36314G>C, p.Gly12105Ala (NM_133432.3); c.36515G>C, p.Gly12172Ala (NM_133437.4); c.63134G>C (NM_001267550.1); short protein forms G11980A, G12105A, G12172A, G18477A, G19404A, G21045A.
Identifiers: ClinVar variation 1310534 (VCV001310534.6), dbSNP rs878968094, ClinGen allele CA60966428.

ClinVar aggregate classification (germline): Uncertain significance. Review status: criteria provided, multiple submitters, no conflicts (2 of 4 stars). 3 submissions from 3 submitters: Uncertain significance (3). Last evaluated 2024-06-28.

Conditions:
Autosomal recessive limb-girdle muscular dystrophy type 2J (LGMDR10). Also called: Limb-girdle muscular dystrophy, type 2J; MUSCULAR DYSTROPHY, LIMB-GIRDLE, AUTOSOMAL RECESSIVE 10. Identifiers: Orphanet 140922, MedGen C1837342, MONDO:0012127, OMIM 608807.
Hypertrophic cardiomyopathy 9. Also called: Familial hypertrophic cardiomyopathy 9. Identifiers: MedGen C1861065, MONDO:0013412, OMIM 613765.
Early-onset myopathy with fatal cardiomyopathy (CMYO5). Also called: CONGENITAL MYOPATHY 5 WITH CARDIOMYOPATHY; Salih Myopathy. Identifiers: Orphanet 289377, MedGen C2673677, MONDO:0012714, OMIM 611705. Disease mechanism: loss of function.
Dilated cardiomyopathy 1G (CMD1G). Identifiers: Orphanet 154, MedGen C1858763, MONDO:0011400, OMIM 604145.
Myopathy, myofibrillar, 9, with early respiratory failure (MFM9). Also called: Hereditary myopathy with early respiratory failure; EDSTROM MYOPATHY; MYOPATHY, PROXIMAL, WITH EARLY RESPIRATORY MUSCLE INVOLVEMENT; Myopathy, distal, with early respiratory failure, autosomal dominant. Identifiers: Orphanet 178464, Orphanet 34521, MedGen C1863599, MONDO:0011362, OMIM 603689.
Tibial muscular dystrophy (TMD). Also called: Udd Distal Myopathy – Tibial Muscular Dystrophy; UDD MYOPATHY; Tibial muscular dystrophy, tardive. Identifiers: Orphanet 609, MedGen C1838244, MONDO:0010870, OMIM 600334.

Allele frequency attached by ClinVar (database versions not stated): gnomAD exomes below 0.00001; gnomAD 0.00003 and 0.00004; TOPMed 0.00006.
gnomAD v4.1: 7 of 1,558,384 alleles (0.00045%); highest among the groups gnomAD compares: African/African-American, 0.0096%; no homozygotes.

Submissions (3):

GeneDx
Classification: Uncertain significance. Last evaluated: 2024-06-28. Review status: criteria provided, single submitter. Criteria: GeneDx Variant Classification Process June 2021. Collection method: clinical testing. Allele origin: germline. Affected: yes.
Comment: Not observed at significant frequency in large population cohorts (gnomAD); Missense variant in a gene in which most reported pathogenic variants are truncating/loss of function; Has not been previously published as pathogenic or benign to our knowledge

Fulgent Genetics
Classification: Uncertain significance for Tibial muscular dystrophy; Myopathy, myofibrillar, 9, with early respiratory failure; Dilated cardiomyopathy 1G; Autosomal recessive limb-girdle muscular dystrophy type 2J; Early-onset myopathy with fatal cardiomyopathy; Hypertrophic cardiomyopathy 9. Last evaluated: 2021-10-28. Review status: criteria provided, single submitter. Criteria: ACMG Guidelines, 2015. Collection method: clinical testing. Allele origin: unknown.

Revvity Omics, Revvity
Classification: Uncertain significance. Last evaluated: 2021-01-12. Review status: criteria provided, single submitter. Criteria: ACMG Guidelines, 2015. Collection method: clinical testing. Allele origin: germline.